The following is an entry in ClinVar:

NM_207122.2(EXT2):c.1242C>T (p.Ile414=)

Gene: EXT2 (exostosin glycosyltransferase 2; plus strand). Cytogenetic location: 11p11.2.
Variant type: single nucleotide variant.
Coding change: c.1242C>T on transcript NM_207122.2 (MANE Select); coding-DNA position 1242, C replaced by T.
Protein change: p.Ile414=; no amino-acid change (isoleucine 414 retained).
Molecular consequence: synonymous variant.
Genome position (GRCh38, 1-based): chr11:44,171,679, C>T. VCF-style: chr11-44171679-C-T. GRCh37 (hg19) VCF-style: chr11-44193229-C-T.
Other names: c.1341C>T, p.Ile447= (NM_000401.3); c.1272C>T, p.Ile424= (NM_001178083.3); c.1242C>T, p.Ile414= (NM_001389628.1, NM_001389630.1).
Identifiers: ClinVar variation 1343310 (VCV001343310.3), dbSNP rs2135127852, ClinGen allele CA473818924.

ClinVar aggregate classification (germline): Uncertain significance. Review status: criteria provided, single submitter (1 of 4 stars). 2 submissions from 2 submitters: Uncertain significance (1). 1 of the submissions does not count toward it. Last evaluated 2025-11-01.

Conditions:
Exostoses, multiple, type 2 (EXT2). Also called: Hereditary Multiple Osteochondromatosis, Type II; EXOSTOSES, MULTIPLE, TYPE II. Identifiers: Orphanet 321, MedGen C1851413, MONDO:0007586, OMIM 133701.
Hepatoblastoma. Identifiers: Orphanet 449, MedGen C0206624, MONDO:0018666, HP:0002884.

Submissions (2):

Dasa
Classification: Uncertain significance for Exostoses, multiple, type 2. Last evaluated: 2025-11-01. Review status: criteria provided, single submitter. Criteria: DASA Assertion Criteria. Collection method: clinical testing. Allele origin: germline.
Comment: NM_207122.2(EXT2):c.1242C>T (p.Ile414=) is a synonymous variant predicted not to alter the encoded amino acid sequence. This variant is absent from population databases. Computational prediction algorithms are consistent with a benign effect. The currently available literature and clinical evidence are not sufficient to establish a definitive association between this variant and the reported condition. Therefore, this variant is classified as a variant of uncertain significance.

Molecular Oncology -  Human Genetics Lab, University of Sao Paulo
Classification: Likely pathogenic for Hepatoblastoma. Review status: no assertion criteria provided. Collection method: research. Allele origin: germline. Affected: yes. Not counted in ClinVar's aggregate classification.